The following is an entry in ClinVar:

NM_006767.4(LZTR1):c.1579T>C (p.Phe527Leu)

Gene: LZTR1 (leucine zipper like post translational regulator 1; plus strand). Cytogenetic location: 22q11.21.
Variant type: single nucleotide variant.
Coding change: c.1579T>C on transcript NM_006767.4 (MANE Select); coding-DNA position 1579, T replaced by C.
Protein change: p.Phe527Leu; replaces phenylalanine 527 with leucine.
Molecular consequence: missense variant.
Genome position (GRCh38, 1-based): chr22:20,994,233, T>C. VCF-style: chr22-20994233-T-C. GRCh37 (hg19) VCF-style: chr22-21348522-T-C.
Other names: short protein forms F527L.
Identifiers: ClinVar variation 1775645 (VCV001775645.10), dbSNP rs774337849, ClinGen allele CA10118946.

ClinVar aggregate classification (germline): Uncertain significance. Review status: criteria provided, multiple submitters, no conflicts (2 of 4 stars). 4 submissions from 4 submitters: Uncertain significance (4). Last evaluated 2026-09-25.

Conditions:
Hereditary cancer-predisposing syndrome. Also called: Tumor predisposition; Hereditary neoplastic syndrome; Hereditary Cancer Syndrome; Neoplastic Syndromes, Hereditary. Identifiers: Orphanet 140162, MedGen C0027672, MeSH D009386, MONDO:0015356.
Cardiovascular phenotype. Identifiers: MedGen CN230736.
LZTR1-related disorder. Also called: LZTR1-related disorders; LZTR1-related condition.

Allele frequency attached by ClinVar (database versions not stated): TOPMed below 0.00001; ExAC 0.00004.

Submissions (4):

PreventionGenetics, part of Exact Sciences
Classification: Uncertain significance for LZTR1-related condition. Last evaluated: 2026-09-25. Review status: criteria provided, single submitter. Criteria: ACMG Guidelines, 2015. Collection method: clinical testing. Allele origin: germline.
Comment: The LZTR1 c.1579T>C variant is predicted to result in the amino acid substitution p.Phe527Leu. To our knowledge, this variant has not been reported in the literature. This variant is reported in 0.023% of alleles in individuals of Latino descent in gnomAD. At this time, the clinical significance of this variant is uncertain due to the absence of conclusive functional and genetic evidence.

Labcorp Genetics (formerly Invitae), Labcorp
Classification: Uncertain significance. Last evaluated: 2025-12-22. Review status: criteria provided, single submitter. Criteria: Invitae Variant Classification Sherloc (09022015). Collection method: clinical testing. Allele origin: germline.
Comment: This sequence change replaces phenylalanine, which is neutral and non-polar, with leucine, which is neutral and non-polar, at codon 527 of the LZTR1 protein (p.Phe527Leu). This variant is present in population databases (rs774337849, gnomAD 0.02%). This variant has not been reported in the literature in individuals affected with LZTR1-related conditions. ClinVar contains an entry for this variant (Variation ID: 1775645). Invitae Evidence Modeling of protein sequence and biophysical properties (such as structural, functional, and spatial information, amino acid conservation, physicochemical variation, residue mobility, and thermodynamic stability) indicates that this missense variant is not expected to disrupt LZTR1 protein function with a negative predictive value of 80%. In summary, the available evidence is currently insufficient to determine the role of this variant in disease. Therefore, it has been classified as a Variant of Uncertain Significance.

Ambry Genetics
Classification: Uncertain significance for Cardiovascular phenotype; Hereditary cancer-predisposing syndrome. Last evaluated: 2025-07-25. Review status: criteria provided, single submitter. Criteria: Ambry Variant Classification Scheme 2023. Collection method: clinical testing. Allele origin: germline.
Comment: The p.F527L variant (also known as c.1579T>C), located in coding exon 14 of the LZTR1 gene, results from a T to C substitution at nucleotide position 1579. The phenylalanine at codon 527 is replaced by leucine, an amino acid with highly similar properties. This amino acid position is highly conserved in available vertebrate species. In addition, this alteration is predicted to be deleterious by in silico analysis. Based on the available evidence, the clinical significance of this variant remains unclear.

GeneDx
Classification: Uncertain significance. Last evaluated: 2023-11-03. Review status: criteria provided, single submitter. Criteria: GeneDx Variant Classification Process June 2021. Collection method: clinical testing. Allele origin: germline. Affected: yes.
Comment: In silico analysis supports that this missense variant has a deleterious effect on protein structure/function; Has not been previously published as pathogenic or benign to our knowledge